The following is an entry in ClinVar:

ClinVar aggregate classification (germline): Likely benign (1 of 4 stars; one submission).

gnomAD v4.1: 433 of 1,614,230 alleles (0.027%); highest among the groups gnomAD compares: Admixed American, 0.055%; no homozygotes.

Submission:

CeGaT Center for Human Genetics Tuebingen
Classification: Likely benign. Last evaluated: 2026-04-01. Review status: criteria provided, single submitter. Criteria: CeGaT Center For Human Genetics Tuebingen Variant Classification Criteria Version 2. Collection method: clinical testing. Allele origin: germline. Affected: yes. Observed: 1 variant allele.
Comment: ZBTB11: BP4

NM_014415.4(ZBTB11):c.1206A>G (p.Ile402Met)

Gene: ZBTB11 (zinc finger and BTB domain containing 11; minus strand). Cytogenetic location: 3q12.3.
Variant type: single nucleotide variant.
Coding change: c.1206A>G on transcript NM_014415.4 (MANE Select); coding-DNA position 1206, A replaced by G.
Protein change: p.Ile402Met; replaces isoleucine 402 with methionine.
Molecular consequence: missense variant.
Genome position (GRCh38, 1-based): chr3:101,665,381, T>C on the plus strand (A>G on the coding strand, the complement: ZBTB11 is on the minus strand). VCF-style: chr3-101665381-T-C. GRCh37 (hg19) VCF-style: chr3-101384225-T-C.
Other names: short protein forms I402M.
Identifiers: ClinVar variation 4872525 (VCV004872525.2).